The following is an entry in ClinVar:

NM_002335.4(LRP5):c.199G>A (p.Ala67Thr)

Gene: LRP5 (LDL receptor related protein 5; plus strand). Cytogenetic location: 11q13.2.
Variant type: single nucleotide variant.
Coding change: c.199G>A on transcript NM_002335.4 (MANE Select); coding-DNA position 199, G replaced by A.
Protein change: p.Ala67Thr; replaces alanine 67 with threonine.
Molecular consequence: missense variant. On other transcripts: 5 prime UTR variant (1).
Genome position (GRCh38, 1-based): chr11:68,347,954, G>A. VCF-style: chr11-68347954-G-A. GRCh37 (hg19) VCF-style: chr11-68115422-G-A.
Other names: c.-1567G>A (NM_001291902.2); short protein forms A67T.
Identifiers: ClinVar variation 638352 (VCV000638352.12), dbSNP rs544861971, ClinGen allele CA6148932.

ClinVar aggregate classification (germline): Conflicting classifications of pathogenicity. Review status: criteria provided, conflicting classifications (1 of 4 stars). 2 submissions from 2 submitters: Likely pathogenic (1); Uncertain significance (1). Last evaluated 2020-01-06.

Allele frequency attached by ClinVar (database versions not stated): gnomAD exomes below 0.00001; TOPMed below 0.00001; gnomAD 0.00001; ExAC 0.00002; 1000 Genomes Project 0.00020; 1000 Genomes Project 30x 0.00031.
gnomAD v4.1: 2 of 1,614,104 alleles (0.00012%); highest among the groups gnomAD compares: South Asian, 0.0011%; no homozygotes.

Submissions (2):

Labcorp Genetics (formerly Invitae), Labcorp
Classification: Uncertain significance. Last evaluated: 2020-01-06. Review status: criteria provided, single submitter. Criteria: Invitae Variant Classification Sherloc (09022015). Collection method: clinical testing. Allele origin: germline.
Comment: This variant has not been reported in the literature in individuals with LRP5-related conditions. ClinVar contains an entry for this variant (Variation ID: 638352). This variant is present in population databases (rs544861971, ExAC 0.01%). This sequence change replaces alanine with threonine at codon 67 of the LRP5 protein (p.Ala67Thr). The alanine residue is highly conserved and there is a small physicochemical difference between alanine and threonine. In summary, the available evidence is currently insufficient to determine the role of this variant in disease. Therefore, it has been classified as a Variant of Uncertain Significance. Algorithms developed to predict the effect of missense changes on protein structure and function are either unavailable or do not agree on the potential impact of this missense change (SIFT: "Deleterious"; PolyPhen-2: "Possibly Damaging"; Align-GVGD: "Class C0").

Genomic Research Center, Shahid Beheshti University of Medical Sciences
Classification: Likely pathogenic. Last evaluated: 2019-04-27. Review status: criteria provided, single submitter. Criteria: ACMG Guidelines, 2015. Collection method: clinical testing. Allele origin: unknown. Affected: yes.